The following is an entry in ClinVar:

ClinVar aggregate classification (germline): Conflicting classifications of pathogenicity. Review status: criteria provided, conflicting classifications (1 of 4 stars). 5 submissions from 5 submitters: Uncertain significance (1); Likely benign (3). 1 of the submissions does not count toward it. Last evaluated 2026-05-01.

Conditions:
DNAJB6-related disorder. Also called: DNAJB6-related condition.
Autosomal dominant limb-girdle muscular dystrophy type 1D (DNAJB6) (LGMDD1). Also called: MUSCULAR DYSTROPHY, LIMB-GIRDLE, TYPE 1D; MUSCULAR DYSTROPHY, AUTOSOMAL DOMINANT, WITH RIMMED VACUOLES; Autosomal dominant limb-girdle muscular dystrophy type 1D; Muscular dystrophy, limb-girdle, autosomal dominant 1. Identifiers: Orphanet 34516, MedGen C4721885, MONDO:0021018, OMIM 603511.

Allele frequency attached by ClinVar (database versions not stated): 1000 Genomes Project 30x 0.00016; 1000 Genomes Project 0.00020; TOPMed 0.00036; gnomAD exomes 0.00044; ESP Exome Variant Server 0.00054; ExAC 0.00063; gnomAD 0.00064 and 0.00068.
gnomAD v4.1: 623 of 1,613,978 alleles (0.039%); highest among the groups gnomAD compares: Non-Finnish European, 0.046%; 1 homozygote.

Submissions (5):

CeGaT Center for Human Genetics Tuebingen
Classification: Likely benign. Last evaluated: 2026-05-01. Review status: criteria provided, single submitter. Criteria: CeGaT Center For Human Genetics Tuebingen Variant Classification Criteria Version 2. Collection method: clinical testing. Allele origin: germline. Affected: yes. Observed: 8 variant alleles.
Comment: DNAJB6: BP4, BS2

Labcorp Genetics (formerly Invitae), Labcorp
Classification: Likely benign for Autosomal dominant limb-girdle muscular dystrophy type 1D (DNAJB6). Last evaluated: 2026-01-05. Review status: criteria provided, single submitter. Criteria: Invitae Variant Classification Sherloc (09022015). Collection method: clinical testing. Allele origin: germline.

GeneDx
Classification: Likely benign. Last evaluated: 2017-10-16. Review status: criteria provided, single submitter. Criteria: GeneDx Variant Classification (06012015). Collection method: clinical testing. Allele origin: germline. Affected: yes.
Comment: This variant is considered likely benign or benign based on one or more of the following criteria: it is a conservative change, it occurs at a poorly conserved position in the protein, it is predicted to be benign by multiple in silico algorithms, and/or has population frequency not consistent with disease.

Eurofins Ntd Llc (ga)
Classification: Uncertain significance. Last evaluated: 2017-08-22. Review status: criteria provided, single submitter. Criteria: EGL Classification Definitions 2015. Collection method: clinical testing. Allele origin: germline. Observed: 10 variant alleles, 10 heterozygotes.

PreventionGenetics, part of Exact Sciences
Classification: Likely benign for DNAJB6-related condition. Last evaluated: 2022-01-31. Review status: no assertion criteria provided. Collection method: clinical testing. Allele origin: germline. Not counted in ClinVar's aggregate classification.
Comment: This variant is classified as likely benign based on ACMG/AMP sequence variant interpretation guidelines (Richards et al. 2015 PMID: 25741868, with internal and published modifications).

NM_058246.4(DNAJB6):c.962C>T (p.Ser321Leu)

Gene: DNAJB6 (DnaJ heat shock protein family (Hsp40) member B6; plus strand). Cytogenetic location: 7q36.3.
Variant type: single nucleotide variant.
Coding change: c.962C>T on transcript NM_058246.4 (MANE Select); coding-DNA position 962, C replaced by T.
Protein change: p.Ser321Leu; replaces serine 321 with leucine.
Molecular consequence: missense variant.
Genome position (GRCh38, 1-based): chr7:157,416,079, C>T. VCF-style: chr7-157416079-C-T. GRCh37 (hg19) VCF-style: chr7-157208773-C-T.
Other names: c.617C>T, p.Ser206Leu (NM_001363676.1); short protein forms S321L, S206L.
Identifiers: ClinVar variation 283743 (VCV000283743.50), dbSNP rs142974468, ClinGen allele CA4590682.